The following is an entry in ClinVar:

ClinVar aggregate classification (germline): Pathogenic (1 of 4 stars; one submission).

Conditions:
Fanconi anemia (FA). Also called: Fanconi's anemia. Identifiers: Orphanet 84, MedGen C0015625, MeSH D005199, MONDO:0019391.

Submission:

Labcorp Genetics (formerly Invitae), Labcorp
Classification: Pathogenic for Fanconi anemia. Last evaluated: 2024-02-20. Review status: criteria provided, single submitter. Criteria: Invitae Variant Classification Sherloc (09022015). Collection method: clinical testing. Allele origin: germline.
Comment: This sequence change creates a premature translational stop signal (p.His54Glnfs*10) in the FANCA gene. It is expected to result in an absent or disrupted protein product. Loss-of-function variants in FANCA are known to be pathogenic (PMID: 19367192). This variant is not present in population databases (gnomAD no frequency). This variant has not been reported in the literature in individuals affected with FANCA-related conditions. For these reasons, this variant has been classified as Pathogenic.

Literature cited by the submitters: PubMed 19367192.

NM_000135.4(FANCA):c.161dup (p.His54fs)

Gene: FANCA (FA complementation group A; minus strand). Cytogenetic location: 16q24.3.
Variant type: Duplication.
Coding change: c.161dup on transcript NM_000135.4 (MANE Select); coding-DNA position 161, one base duplicated (A; older notation c.161dupA).
Protein change: p.His54fs; shifts the reading frame from histidine 54.
Molecular consequence: frameshift variant.
Genome position (GRCh38, 1-based): chr16:89,815,905, T duplicated on the plus strand (A on the coding strand, the reverse complement: FANCA is on the minus strand). VCF-style (leftmost placement, unchanged base first): chr16-89815904-A-AT. GRCh37 (hg19) VCF-style: chr16-89882312-A-AT.
Other names: c.161dup, p.His54fs (NM_001018112.3, NM_001286167.3, NM_001351830.2); short protein forms H54fs.
Identifiers: ClinVar variation 3640880 (VCV003640880.2).